The following is an entry in ClinVar:

NM_004082.5(DCTN1):c.626C>T (p.Pro209Leu)

Gene: DCTN1 (dynactin subunit 1; minus strand). Cytogenetic location: 2p13.1.
Variant type: single nucleotide variant.
Coding change: c.626C>T on transcript NM_004082.5 (MANE Select); coding-DNA position 626, C replaced by T.
Protein change: p.Pro209Leu; replaces proline 209 with leucine.
Molecular consequence: missense variant. On other transcripts: non-coding transcript variant (1).
Genome position (GRCh38, 1-based): chr2:74,371,556, G>A on the plus strand (C>T on the coding strand, the complement: DCTN1 is on the minus strand). VCF-style: chr2-74371556-G-A. GRCh37 (hg19) VCF-style: chr2-74598683-G-A.
Other names: c.566C>T, p.Pro189Leu (NM_001135040.3); c.224C>T, p.Pro75Leu (NM_001135041.3, NM_023019.4); c.515C>T, p.Pro172Leu (NM_001190836.2); c.605C>T, p.Pro202Leu (NM_001190837.2); c.575C>T, p.Pro192Leu (NM_001378991.1); c.557C>T, p.Pro186Leu (NM_001378992.1); short protein forms P172L, P209L, P75L, P189L, P202L, P186L, P192L.
Identifiers: ClinVar variation 580972 (VCV000580972.13), dbSNP rs112725508, ClinGen allele CA1722365.
Genomic context (GRCh38, chr2:74,371,556, plus strand): 5'-TGGGTGTCTTGATTCTCCTTTACCCCTACCCCAGGCCTTACCTTGGATGGGGAAGGAAGC[G>A]GGGGGACTGCTCCAGGAGAGGTGAGGACCGGCGTGGGGATGATGGGTGCTGCCAGCGGAG-3'
Protein context (NP_004073.2, residues 199-219): PVLTSPGAVP[Pro209Leu]LPSPSKEEEG

ClinVar aggregate classification (germline): Uncertain significance. Review status: criteria provided, multiple submitters, no conflicts (2 of 4 stars). 3 submissions from 3 submitters: Uncertain significance (3). Last evaluated 2024-12-02.

Conditions:
Amyotrophic lateral sclerosis type 1 (ALS1). Also called: AMYOTROPHIC LATERAL SCLEROSIS 1, FAMILIAL. Identifiers: Orphanet 803, MedGen C1862939, MONDO:0007103, OMIM 105400.
Perry syndrome. Also called: PARKINSONISM WITH ALVEOLAR HYPOVENTILATION AND MENTAL DEPRESSION. Identifiers: Orphanet 178509, MedGen C1868594, MONDO:0008201, OMIM 168605.
Neuronopathy, distal hereditary motor, type 7B. Also called: Distal Hereditary Motor Neuronopathy Type 7B (dHMN7B); NEURONOPATHY, DISTAL HEREDITARY MOTOR, AUTOSOMAL DOMINANT 14; NEURONOPATHY, DISTAL HEREDITARY MOTOR, HARDING TYPE VIIB; NEUROPATHY, DISTAL HEREDITARY MOTOR, HARDING TYPE VIIB; NEUROPATHY, DISTAL HEREDITARY MOTOR, WITH VOCAL CORD PARALYSIS, HARDING TYPE VIIB; HMN VIIB. Identifiers: Orphanet 139589, MedGen C1843315, MONDO:0011879, OMIM 607641.
Inborn genetic diseases. Identifiers: MedGen C0950123, MeSH D030342.

Allele frequency attached by ClinVar (database versions not stated): ExAC 0.00007.
gnomAD v4.1: 93 of 1,579,222 alleles (0.0059%); highest among the groups gnomAD compares: Middle Eastern, 0.02%; no homozygotes.

Submissions (3):

Labcorp Genetics (formerly Invitae), Labcorp
Classification: Uncertain significance for Amyotrophic lateral sclerosis type 1; Neuronopathy, distal hereditary motor, type 7B; Perry syndrome. Last evaluated: 2024-12-02. Review status: criteria provided, single submitter. Criteria: Invitae Variant Classification Sherloc (09022015). Collection method: clinical testing. Allele origin: germline.
Comment: This sequence change replaces proline, which is neutral and non-polar, with leucine, which is neutral and non-polar, at codon 209 of the DCTN1 protein (p.Pro209Leu). This variant is present in population databases (rs112725508, gnomAD 0.009%). This variant has not been reported in the literature in individuals affected with DCTN1-related conditions. ClinVar contains an entry for this variant (Variation ID: 580972). Invitae Evidence Modeling of protein sequence and biophysical properties (such as structural, functional, and spatial information, amino acid conservation, physicochemical variation, residue mobility, and thermodynamic stability) indicates that this missense variant is not expected to disrupt DCTN1 protein function with a negative predictive value of 95%. In summary, the available evidence is currently insufficient to determine the role of this variant in disease. Therefore, it has been classified as a Variant of Uncertain Significance.

Revvity Omics, Revvity
Classification: Uncertain significance. Last evaluated: 2023-06-02. Review status: criteria provided, single submitter. Criteria: ACMG Guidelines, 2015. Collection method: clinical testing. Allele origin: germline.

Ambry Genetics
Classification: Uncertain significance for Inborn genetic diseases. Last evaluated: 2021-08-20. Review status: criteria provided, single submitter. Criteria: Ambry Variant Classification Scheme 2023. Collection method: clinical testing. Allele origin: germline.
Comment: The p.P209L variant (also known as c.626C>T), located in coding exon 8 of the DCTN1 gene, results from a C to T substitution at nucleotide position 626. The proline at codon 209 is replaced by leucine, an amino acid with similar properties. This amino acid position is well conserved in available vertebrate species. In addition, this alteration is predicted to be tolerated by in silico analysis. Since supporting evidence is limited at this time, the clinical significance of this alteration remains unclear.